The following is an entry in ClinVar:

NM_001142800.2(EYS):c.2644T>C (p.Phe882Leu)

Gene: EYS (EGF-like photoreceptor maintenance factor; minus strand). Cytogenetic location: 6q12.
Variant type: single nucleotide variant.
Coding change: c.2644T>C on transcript NM_001142800.2 (MANE Select); coding-DNA position 2644, T replaced by C.
Protein change: p.Phe882Leu; replaces phenylalanine 882 with leucine.
Molecular consequence: missense variant.
Genome position (GRCh38, 1-based): chr6:64,902,498, A>G on the plus strand (T>C on the coding strand, the complement: EYS is on the minus strand). VCF-style: chr6-64902498-A-G. GRCh37 (hg19) VCF-style: chr6-65612391-A-G.
Other names: c.2644T>C, p.Phe882Leu (NM_001292009.2); short protein forms F882L.
Identifiers: ClinVar variation 966346 (VCV000966346.9), dbSNP rs759172997, ClinGen allele CA3877258.

ClinVar aggregate classification (germline): Uncertain significance. Review status: criteria provided, multiple submitters, no conflicts (2 of 4 stars). 4 submissions from 4 submitters: Uncertain significance (3). 1 of the submissions does not count toward it. Last evaluated 2026-06-08.

Conditions:
Retinitis pigmentosa 25 (RP25). Identifiers: Orphanet 791, MedGen C1864446, MONDO:0011272, OMIM 602772.

Allele frequency attached by ClinVar (database versions not stated): gnomAD 0.00001 and 0.00002; gnomAD exomes 0.00002 and 0.00012; TOPMed 0.00002; ExAC 0.00004; 1000 Genomes Project 30x 0.00031.
gnomAD v4.1: 29 of 1,526,782 alleles (0.0019%); highest among the groups gnomAD compares: East Asian, 0.064%; no homozygotes.

Submissions (4):

Women's Health and Genetics/Laboratory Corporation of America, LabCorp
Classification: Uncertain significance. Last evaluated: 2026-06-08. Review status: criteria provided, single submitter. Criteria: LabCorp Variant Classification Summary - May 2015. Collection method: clinical testing. Allele origin: germline.
Comment: Variant summary: EYS c.2644T>C (p.Phe882Leu) results in a non-conservative amino acid change in the encoded protein sequence. Algorithms developed to predict the effect of missense changes on protein structure and function are either unavailable or do not agree on the potential impact of this missense change. Consensus agreement among computation tools predict no significant impact on normal splicing. However, these predictions have yet to be confirmed by functional studies. The variant allele was found at a frequency of 0.00012 in 135748 control chromosomes. This frequency is not significantly higher than estimated for disease-causing variants in EYS, allowing no conclusion about variant significance. c.2644T>C has been observed in the presumed compound heterozygous state in at least 1 individual(s) affected with EYS-related conditions (example, Chen_2021). These data do not allow any conclusion about variant significance. To our knowledge, no experimental evidence demonstrating an impact on protein function has been reported. The following publications have been ascertained in the context of this evaluation (PMID: 25356976, 33608557, 35816039). ClinVar contains an entry for this variant (Variation ID: 966346). Based on the evidence outlined above, the variant was classified as uncertain significance.

Labcorp Genetics (formerly Invitae), Labcorp
Classification: Uncertain significance. Last evaluated: 2026-01-26. Review status: criteria provided, single submitter. Criteria: Invitae Variant Classification Sherloc (09022015). Collection method: clinical testing. Allele origin: germline.
Comment: This sequence change replaces phenylalanine, which is neutral and non-polar, with leucine, which is neutral and non-polar, at codon 882 of the EYS protein (p.Phe882Leu). This variant is present in population databases (rs759172997, gnomAD 0.2%). This missense change has been observed in individual(s) with retinitis pigmentosa (PMID: 25356976, 33608557). ClinVar contains an entry for this variant (Variation ID: 966346). Invitae Evidence Modeling of protein sequence and biophysical properties (such as structural, functional, and spatial information, amino acid conservation, physicochemical variation, residue mobility, and thermodynamic stability) has been performed for this missense variant. However, the output from this modeling did not meet the statistical confidence thresholds required to predict the impact of this variant on EYS protein function. In summary, the available evidence is currently insufficient to determine the role of this variant in disease. Therefore, it has been classified as a Variant of Uncertain Significance.

Blueprint Genetics
Classification: Uncertain significance. Last evaluated: 2023-10-25. Review status: criteria provided, single submitter. Criteria: ACMG Guidelines, 2015. Collection method: clinical testing. Allele origin: germline.

Natera, Inc.
Classification: Uncertain significance for Retinitis pigmentosa type 25. Last evaluated: 2020-09-02. Review status: no assertion criteria provided. Collection method: clinical testing. Allele origin: germline. Not counted in ClinVar's aggregate classification.

Literature cited by the submitters: PubMed 25356976 (cited by Women's Health and Genetics/Laboratory Corporation of America, LabCorp and Labcorp Genetics (formerly Invitae), Labcorp); PubMed 33608557 (cited by Women's Health and Genetics/Laboratory Corporation of America, LabCorp and Labcorp Genetics (formerly Invitae), Labcorp); PubMed 35816039 (cited by Women's Health and Genetics/Laboratory Corporation of America, LabCorp).